The following is an entry in ClinVar:

ClinVar aggregate classification (germline): Likely benign. Review status: criteria provided, multiple submitters, no conflicts (2 of 4 stars). 4 submissions from 4 submitters: Likely benign (4). Last evaluated 2026-01-20.

Conditions:
CNGA3-related disorder. Also called: CNGA3-related condition.

Allele frequency attached by ClinVar (database versions not stated): gnomAD 0.00002 and 0.00004; TOPMed 0.00006; gnomAD exomes 0.00012; 1000 Genomes Project 30x 0.00016; ExAC 0.00016; 1000 Genomes Project 0.00020.
gnomAD v4.1: 139 of 1,614,164 alleles (0.0086%); highest among the groups gnomAD compares: Middle Eastern, 0.099%; 1 homozygote.

Submissions (4):

Labcorp Genetics (formerly Invitae), Labcorp
Classification: Likely benign. Last evaluated: 2026-01-20. Review status: criteria provided, single submitter. Criteria: Invitae Variant Classification Sherloc (09022015). Collection method: clinical testing. Allele origin: germline.

PreventionGenetics, part of Exact Sciences
Classification: Likely benign for CNGA3-related condition. Last evaluated: 2025-04-28. Review status: criteria provided, single submitter. Criteria: ACMG Guidelines, 2015. Collection method: clinical testing. Allele origin: germline.
Comment: This variant is classified as likely benign based on ACMG/AMP sequence variant interpretation guidelines (Richards et al. 2015 PMID: 25741868, with internal and published modifications).

Blueprint Genetics
Classification: Likely benign. Last evaluated: 2024-11-26. Review status: criteria provided, single submitter. Criteria: ACMG Guidelines, 2015. Collection method: clinical testing. Allele origin: germline.

CeGaT Center for Human Genetics Tuebingen
Classification: Likely benign. Last evaluated: 2020-01-01. Review status: criteria provided, single submitter. Criteria: CeGaT Center For Human Genetics Tuebingen Variant Classification Criteria Version 2. Collection method: clinical testing. Allele origin: germline. Affected: yes. Observed: 1 variant allele.

NM_001298.3(CNGA3):c.846C>T (p.Ser282=)

Gene: CNGA3 (cyclic nucleotide gated channel subunit alpha 3; plus strand). Cytogenetic location: 2q11.2.
Variant type: single nucleotide variant.
Coding change: c.846C>T on transcript NM_001298.3 (MANE Select); coding-DNA position 846, C replaced by T.
Protein change: p.Ser282=; no amino-acid change (serine 282 retained).
Molecular consequence: synonymous variant.
Genome position (GRCh38, 1-based): chr2:98,396,016, C>T. VCF-style: chr2-98396016-C-T. GRCh37 (hg19) VCF-style: chr2-99012479-C-T.
Other names: c.792C>T, p.Ser264= (NM_001079878.2); c.846C>T (NM_001298.2).
Identifiers: ClinVar variation 872330 (VCV000872330.48), dbSNP rs545024229, ClinGen allele CA1793908.